The following is an entry in ClinVar:

NM_001048166.1(STIL):c.1146G>A (p.Lys382=)

Gene: STIL (STIL centriolar assembly protein; minus strand). Cytogenetic location: 1p33.
Variant type: single nucleotide variant.
Coding change: c.1146G>A on transcript NM_001048166.1 (MANE Select); coding-DNA position 1146, G replaced by A.
Protein change: p.Lys382=; no amino-acid change (lysine 382 retained).
Molecular consequence: synonymous variant.
Genome position (GRCh38, 1-based): chr1:47,282,447, C>T on the plus strand (G>A on the coding strand, the complement: STIL is on the minus strand). VCF-style: chr1-47282447-C-T. GRCh37 (hg19) VCF-style: chr1-47748119-C-T.
Other names: c.1146G>A, p.Lys382= (NM_001282936.1, NM_001282937.1, NM_003035.2); c.1005G>A, p.Lys335= (NM_001282938.1, NM_001282939.1, NM_001377417.1).
Identifiers: ClinVar variation 1298425 (VCV001298425.41), dbSNP rs564419897, ClinGen allele CA842406.
Genomic context (GRCh38, chr1:47,282,447, plus strand): 5'-AAAATCTTCATCTTCAACACCAGAGTCGTGATCATGTATTGGCATCTTCCCAGAAGATAA[C>T]TTTTGGGAAGACCTAAAGAATAGAAGGGGAGACCAGAAAAGCCTTTGGTAATCCAGTGTT-3'
Protein context (NP_001041631.1, residues 372-392): KNFSIKRSSQ[Lys382=]LSSGKMPIHD

ClinVar aggregate classification (germline): Likely benign. Review status: criteria provided, multiple submitters, no conflicts (2 of 4 stars). 3 submissions from 3 submitters: Likely benign (3). Last evaluated 2026-02-01.

Allele frequency attached by ClinVar (database versions not stated): TOPMed below 0.00001; gnomAD 0.00003; 1000 Genomes Project 30x 0.00016; ExAC 0.00019; gnomAD exomes 0.00019; 1000 Genomes Project 0.00020.
gnomAD v4.1: 147 of 1,610,568 alleles (0.0091%); highest among the groups gnomAD compares: South Asian, 0.14%; 4 homozygotes.

Submissions (3):

CeGaT Center for Human Genetics Tuebingen
Classification: Likely benign. Last evaluated: 2026-02-01. Review status: criteria provided, single submitter. Criteria: CeGaT Center For Human Genetics Tuebingen Variant Classification Criteria Version 2. Collection method: clinical testing. Allele origin: germline. Affected: yes. Observed: 4 variant alleles.
Comment: STIL: BP4, BP7

Labcorp Genetics (formerly Invitae), Labcorp
Classification: Likely benign. Last evaluated: 2025-06-03. Review status: criteria provided, single submitter. Criteria: Invitae Variant Classification Sherloc (09022015). Collection method: clinical testing. Allele origin: germline.

Blueprint Genetics
Classification: Likely benign. Last evaluated: 2024-11-21. Review status: criteria provided, single submitter. Criteria: ACMG Guidelines, 2015. Collection method: clinical testing. Allele origin: germline.